The following is an entry in ClinVar:

ClinVar aggregate classification (germline): Likely benign (1 of 4 stars; one submission).

Conditions:
NEFH-related disorder. Also called: NEFH-related condition.

Submission:

PreventionGenetics, part of Exact Sciences
Classification: Likely benign for NEFH-related condition. Last evaluated: 2026-07-16. Review status: criteria provided, single submitter. Criteria: ACMG Guidelines, 2015. Collection method: clinical testing. Allele origin: germline.
Comment: This variant is classified as likely benign based on ACMG/AMP sequence variant interpretation guidelines (Richards et al. 2015 PMID: 25741868, with internal and published modifications).

NM_021076.4(NEFH):c.363C>T (p.His121=)

Gene: NEFH (neurofilament heavy chain; plus strand). Cytogenetic location: 22q12.2.
Variant type: single nucleotide variant.
Coding change: c.363C>T on transcript NM_021076.4 (MANE Select); coding-DNA position 363, C replaced by T.
Protein change: p.His121=; no amino-acid change (histidine 121 retained).
Molecular consequence: synonymous variant.
Genome position (GRCh38, 1-based): chr22:29,480,625, C>T. VCF-style: chr22-29480625-C-T. GRCh37 (hg19) VCF-style: chr22-29876614-C-T.
Identifiers: ClinVar variation 4979510 (VCV004979510.1).